The following is an entry in ClinVar:

ClinVar aggregate classification (germline): Uncertain significance (1 of 4 stars; one submission).

Conditions:
Bethlem myopathy 1A. Also called: Bethlem Muscular Dystrophy; MYOPATHY, BENIGN CONGENITAL, WITH CONTRACTURES; Bethlem myopathy 1. Identifiers: Orphanet 610, MedGen CN029274, MONDO:0024530, OMIM 158810.

gnomAD v4.1: 3 of 1,614,134 alleles (0.00019%); highest among the groups gnomAD compares: Non-Finnish European, 0.00025%; no homozygotes.

Submission:

Labcorp Genetics (formerly Invitae), Labcorp
Classification: Uncertain significance for Bethlem myopathy 1A. Last evaluated: 2020-02-05. Review status: criteria provided, single submitter. Criteria: Invitae Variant Classification Sherloc (09022015). Collection method: clinical testing. Allele origin: germline.
Comment: In summary, the available evidence is currently insufficient to determine the role of this variant in disease. Therefore, it has been classified as a Variant of Uncertain Significance. Algorithms developed to predict the effect of missense changes on protein structure and function are either unavailable or do not agree on the potential impact of this missense change (SIFT: "Tolerated"; PolyPhen-2: "Not Available"; Align-GVGD: "Class C0"). This variant has not been reported in the literature in individuals with COL6A3-related conditions. This variant is not present in population databases (ExAC no frequency). This sequence change replaces alanine with glutamic acid at codon 2611 of the COL6A3 protein (p.Ala2611Glu). The alanine residue is moderately conserved and there is a moderate physicochemical difference between alanine and glutamic acid.

NM_004369.4(COL6A3):c.7832C>A (p.Ala2611Glu)

Gene: COL6A3 (collagen type VI alpha 3 chain; minus strand). Cytogenetic location: 2q37.3.
Variant type: single nucleotide variant.
Coding change: c.7832C>A on transcript NM_004369.4 (MANE Select); coding-DNA position 7832, C replaced by A.
Protein change: p.Ala2611Glu; replaces alanine 2611 with glutamic acid.
Molecular consequence: missense variant.
Genome position (GRCh38, 1-based): chr2:237,341,084, G>T on the plus strand (C>A on the coding strand, the complement: COL6A3 is on the minus strand). VCF-style: chr2-237341084-G-T. GRCh37 (hg19) VCF-style: chr2-238249727-G-T.
Other names: c.6011C>A, p.Ala2004Glu (NM_057166.5); c.7214C>A, p.Ala2405Glu (NM_057167.4); short protein forms A2004E, A2405E, A2611E.
Identifiers: ClinVar variation 1054986 (VCV001054986.9), dbSNP rs114806654, ClinGen allele CA351197819.
Genomic context (GRCh38, chr2:237,341,084, plus strand): 5'-GTGGTGGTCTCAGCGCTGTCTAAGATGAAAGCCATGTCGATGTCCACATCGCTCCCTGCC[G>T]CTCTCCTGTCCCTGAAGGAAGGCCTCCAACTGCCAAATCCACAGGATGGGTCGATGTTGC-3'
Protein context (NP_004360.2, residues 2601-2621): SWRPSFRDRR[Ala2611Glu]AGSDVDIDMA